The following is an entry in ClinVar:

ClinVar aggregate classification (germline): Benign (1 of 4 stars; one submission).

Conditions:
Collagen 6-related myopathy. Identifiers: MedGen CN117976, MONDO:0100225.

Allele frequency attached by ClinVar (database versions not stated): gnomAD 0.00001; gnomAD exomes 0.00001 and 0.00003; TOPMed 0.00002; ExAC 0.00007.
gnomAD v4.1: 9 of 1,607,740 alleles (0.00056%); highest among the groups gnomAD compares: East Asian, 0.013%; no homozygotes.

Submission:

Illumina Laboratory Services, Illumina
Classification: Benign for Collagen VI-related myopathy. Last evaluated: 2018-01-12. Review status: criteria provided, single submitter. Criteria: ICSL Variant Classification Criteria 13 December 2019. Collection method: clinical testing. Allele origin: germline.
Comment: This variant was observed in the ICSL laboratory as part of a predisposition screen in an ostensibly healthy population. It had not been previously curated by ICSL or reported in the Human Gene Mutation Database (HGMD: prior to June 1st, 2018), and was therefore a candidate for classification through an automated scoring system. Utilizing variant allele frequency, disease prevalence and penetrance estimates, and inheritance mode, an automated score was calculated to assess if this variant is too frequent to cause the disease. Based on the score and internal cut-off values, a variant classified as benign is not then subjected to further curation. The score for this variant resulted in a classification of benign for this disease.

NM_001849.4(COL6A2):c.537G>A (p.Arg179=)

Gene: COL6A2 (collagen type VI alpha 2 chain; plus strand). Cytogenetic location: 21q22.3.
Variant type: single nucleotide variant.
Coding change: c.537G>A on transcript NM_001849.4 (MANE Select); coding-DNA position 537, G replaced by A.
Protein change: p.Arg179=; no amino-acid change (arginine 179 retained).
Molecular consequence: synonymous variant.
Genome position (GRCh38, 1-based): chr21:46,112,400, G>A. VCF-style: chr21-46112400-G-A. GRCh37 (hg19) VCF-style: chr21-47532314-G-A.
Other names: c.537G>A, p.Arg179= (NM_058174.3, NM_058175.3).
Identifiers: ClinVar variation 340360 (VCV000340360.6), dbSNP rs762450920, ClinGen allele CA10071327.